The following is an entry in ClinVar:

NM_001129.5(AEBP1):c.2363C>T (p.Ala788Val)

Gene: AEBP1 (AE binding protein 1; plus strand). Cytogenetic location: 7p13.
Variant type: single nucleotide variant.
Coding change: c.2363C>T on transcript NM_001129.5 (MANE Select); coding-DNA position 2363, C replaced by T.
Protein change: p.Ala788Val; replaces alanine 788 with valine.
Molecular consequence: missense variant.
Genome position (GRCh38, 1-based): chr7:44,112,703, C>T. VCF-style: chr7-44112703-C-T. GRCh37 (hg19) VCF-style: chr7-44152302-C-T.
Other names: short protein forms A788V.
Identifiers: ClinVar variation 1978864 (VCV001978864.2), dbSNP rs200626782, ClinGen allele CA4238189.

ClinVar aggregate classification (germline): Uncertain significance (1 of 4 stars; one submission).

Allele frequency attached by ClinVar (database versions not stated): TOPMed 0.00002; ExAC 0.00003; gnomAD 0.00003; gnomAD exomes 0.00004; 1000 Genomes Project 0.00020; 1000 Genomes Project 30x 0.00031.
gnomAD v4.1: 59 of 1,613,246 alleles (0.0037%); highest among the groups gnomAD compares: Non-Finnish European, 0.0047%; no homozygotes.

Submission:

Labcorp Genetics (formerly Invitae), Labcorp
Classification: Uncertain significance. Last evaluated: 2024-08-21. Review status: criteria provided, single submitter. Criteria: Invitae Variant Classification Sherloc (09022015). Collection method: clinical testing. Allele origin: germline.
Comment: This sequence change replaces alanine, which is neutral and non-polar, with valine, which is neutral and non-polar, at codon 788 of the AEBP1 protein (p.Ala788Val). This variant is present in population databases (rs200626782, gnomAD 0.007%). This variant has not been reported in the literature in individuals affected with AEBP1-related conditions. ClinVar contains an entry for this variant (Variation ID: 1978864). An algorithm developed to predict the effect of missense changes on protein structure and function (PolyPhen-2) suggests that this variant is likely to be disruptive. In summary, the available evidence is currently insufficient to determine the role of this variant in disease. Therefore, it has been classified as a Variant of Uncertain Significance.